The following is an entry in ClinVar:

NM_001077350.3(NPRL3):c.629+4A>C

Genes: HBA-LCR (alpha-globin locus control region; plus strand), NPRL3 (NPR3 like, GATOR1 complex subunit; minus strand). Cytogenetic location: 16p13.3.
Variant type: single nucleotide variant.
Coding change: c.629+4A>C on transcript NM_001077350.3 (MANE Select); 4 bases into the intron after coding-DNA position 629, A replaced by C.
Molecular consequence: intron variant.
Genome position (GRCh38, 1-based): chr16:110,521, T>G on the plus strand (A>C on the coding strand, the complement: NPRL3 is on the minus strand). VCF-style: chr16-110521-T-G. GRCh37 (hg19) VCF-style: chr16-160519-T-G.
Other names: c.395+4A>C (NM_001243247.2); c.554+4A>C (NM_001243248.2, NM_001243249.2); c.92+4A>C (NM_001039476.3).
Identifiers: ClinVar variation 3717817 (VCV003717817.3).
Genomic context (GRCh38, chr16:110,521, plus strand): 5'-CTCCTCAGGCCCAGGCAGGCTGGCCCATAAGAAGGAGGTTAATAAGCACACCCACCTGTC[T>G]TACCTGTCATAAGCTTCCTTGAGGTCCCTGGCCAGCTTGCACTTGGGCAGGATGTGATGG-3'

ClinVar aggregate classification (germline): Uncertain significance. Review status: criteria provided, multiple submitters, no conflicts (2 of 4 stars). 2 submissions from 2 submitters: Uncertain significance (2). Last evaluated 2025-02-07.

Conditions:
Epilepsy, familial focal, with variable foci 3 (FFEVF3). Identifiers: MedGen C4310708, MONDO:0014925, OMIM 617118.

gnomAD v4.1: 1 of 1,609,722 alleles (0.000062%); highest among the groups gnomAD compares: African/African-American, 0.0013%; no homozygotes.

Submissions (2):

Labcorp Genetics (formerly Invitae), Labcorp
Classification: Uncertain significance for Epilepsy, familial focal, with variable foci 3. Last evaluated: 2025-02-07. Review status: criteria provided, single submitter. Criteria: Invitae Variant Classification Sherloc (09022015). Collection method: clinical testing. Allele origin: germline.
Comment: This sequence change falls in intron 7 of the NPRL3 gene. It does not directly change the encoded amino acid sequence of the NPRL3 protein. It affects a nucleotide within the consensus splice site. This variant is present in population databases (no rsID available, gnomAD 0.007%). This variant has not been reported in the literature in individuals affected with NPRL3-related conditions. Variants that disrupt the consensus splice site are a relatively common cause of aberrant splicing (PMID: 17576681, 9536098). Algorithms developed to predict the effect of sequence changes on RNA splicing suggest that this variant may create or strengthen a splice site. In summary, the available evidence is currently insufficient to determine the role of this variant in disease. Therefore, it has been classified as a Variant of Uncertain Significance.

GeneDx
Classification: Uncertain significance. Last evaluated: 2025-02-03. Review status: criteria provided, single submitter. Criteria: GeneDx Variant Classification Process June 2021. Collection method: clinical testing. Allele origin: germline. Affected: yes.
Comment: Not observed at significant frequency in large population cohorts (gnomAD); Has not been previously published as pathogenic or benign to our knowledge; In silico analysis suggests this variant may impact gene splicing. In the absence of RNA/functional studies, the actual effect of this sequence change is unknown.

Literature cited by the submitters: PubMed 17576681 (cited by Labcorp Genetics (formerly Invitae), Labcorp); PubMed 9536098 (cited by Labcorp Genetics (formerly Invitae), Labcorp).